The following is an entry in ClinVar:

NM_006348.5(COG5):c.887G>A (p.Arg296His)

Gene: COG5 (component of oligomeric golgi complex 5; minus strand). Cytogenetic location: 7q22.3.
Variant type: single nucleotide variant.
Coding change: c.887G>A on transcript NM_006348.5 (MANE Select); coding-DNA position 887, G replaced by A.
Protein change: p.Arg296His; replaces arginine 296 with histidine.
Molecular consequence: missense variant. On other transcripts: intron variant (2).
Genome position (GRCh38, 1-based): chr7:107,362,369, C>T on the plus strand (G>A on the coding strand, the complement: COG5 is on the minus strand). VCF-style: chr7-107362369-C-T. GRCh37 (hg19) VCF-style: chr7-107002814-C-T.
Other names: c.887G>A, p.Arg296His (NM_001161520.2, NM_001379511.1, NM_001379512.1 and 3 more transcripts); c.235-259G>A (NM_001379516.1); c.539-64023G>A (NM_001379515.1); short protein forms R296H.
Identifiers: ClinVar variation 1037748 (VCV001037748.7), dbSNP rs576854159, ClinGen allele CA164702888.

ClinVar aggregate classification (germline): Uncertain significance (1 of 4 stars; one submission).

Conditions:
COG5-congenital disorder of glycosylation. Also called: COG5-CDG; CDG IIi; CONGENITAL DISORDER OF GLYCOSYLATION, TYPE IIi. Identifiers: Orphanet 263487, MedGen C3150876, MONDO:0013325, OMIM 613612.

Allele frequency attached by ClinVar (database versions not stated): gnomAD 0.00001; gnomAD exomes 0.00001 and 0.00002; TOPMed 0.00001.
gnomAD v4.1: 10 of 1,613,814 alleles (0.00062%); highest among the groups gnomAD compares: South Asian, 0.0044%; no homozygotes.

Submission:

Labcorp Genetics (formerly Invitae), Labcorp
Classification: Uncertain significance for COG5-congenital disorder of glycosylation. Last evaluated: 2025-03-31. Review status: criteria provided, single submitter. Criteria: Invitae Variant Classification Sherloc (09022015). Collection method: clinical testing. Allele origin: germline.
Comment: This sequence change replaces arginine, which is basic and polar, with histidine, which is basic and polar, at codon 327 of the COG5 protein (p.Arg327His). This variant is present in population databases (rs576854159, gnomAD 0.01%). This variant has not been reported in the literature in individuals affected with COG5-related conditions. ClinVar contains an entry for this variant (Variation ID: 1037748). Invitae Evidence Modeling of protein sequence and biophysical properties (such as structural, functional, and spatial information, amino acid conservation, physicochemical variation, residue mobility, and thermodynamic stability) indicates that this missense variant is expected to disrupt COG5 protein function with a positive predictive value of 80%. In summary, the available evidence is currently insufficient to determine the role of this variant in disease. Therefore, it has been classified as a Variant of Uncertain Significance.